The following is an entry in ClinVar:

ClinVar aggregate classification (germline): Uncertain significance. Review status: criteria provided, multiple submitters, no conflicts (2 of 4 stars). 4 submissions from 4 submitters: Uncertain significance (3). 1 of the submissions does not count toward it. Last evaluated 2026-08-05.

Conditions:
Nephronophthisis. Also called: Juvenile Nephronophthisis. Identifiers: Orphanet 655, MedGen C0687120, MONDO:0019005, HP:0000090.
Meckel-Gruber syndrome. Also called: GRUBER SYNDROME; DYSENCEPHALIA SPLANCHNOCYSTICA; Dysencephalia splachnocystica. Identifiers: Orphanet 564, MedGen C0265215, MONDO:0018921.
Joubert syndrome. Also called: Familial aplasia of the vermis; JOUBERT-BOLTSHAUSER SYNDROME. Identifiers: Orphanet 475, MedGen C5979921, MONDO:0018772.
Leber congenital amaurosis (LCA). Also called: Leber's amaurosis. Identifiers: Orphanet 65, MedGen C0339527, MeSH D057130, MONDO:0018998.
CEP290-related disorder. Also called: CEP290-related condition; CEP290-related disorders. Identifiers: MedGen CN239314.
Joubert syndrome 5 (JBTS5). Identifiers: Orphanet 2318, MedGen C1857780, MONDO:0012432, OMIM 610188.
Meckel syndrome, type 4 (MKS4). Also called: MECKEL-GRUBER SYNDROME, TYPE 4. Identifiers: Orphanet 564, MedGen C1970161, MONDO:0012626, OMIM 611134.
Senior-Loken syndrome 6 (SLSN6). Identifiers: Orphanet 3156, MedGen C1857779, MONDO:0012433, OMIM 610189.
Leber congenital amaurosis 10 (LCA10). Identifiers: Orphanet 65, MedGen C1857821, MONDO:0012723, OMIM 611755.
Bardet-Biedl syndrome 14 (BBS14). Identifiers: Orphanet 110, MedGen C2673874, MONDO:0014442, OMIM 615991.

Allele frequency attached by ClinVar (database versions not stated): gnomAD exomes below 0.00001 and 0.00001; TOPMed 0.00002; ExAC 0.00005.
gnomAD v4.1: 2 of 1,448,762 alleles (0.00014%); highest among the groups gnomAD compares: Admixed American, 0.0062%; no homozygotes.

Submissions (4):

PreventionGenetics, part of Exact Sciences
Classification: Uncertain significance for CEP290-related condition. Last evaluated: 2026-08-05. Review status: criteria provided, single submitter. Criteria: ACMG Guidelines, 2015. Collection method: clinical testing. Allele origin: germline.
Comment: The CEP290 c.4817T>C variant is predicted to result in the amino acid substitution p.Leu1606Ser. To our knowledge, this variant has not been reported in the literature. This variant is reported in 0.016% of alleles in individuals of Latino descent in gnomAD. At this time, the clinical significance of this variant is uncertain due to the absence of conclusive functional and genetic evidence.

Labcorp Genetics (formerly Invitae), Labcorp
Classification: Uncertain significance for Joubert syndrome; Meckel-Gruber syndrome; Nephronophthisis. Last evaluated: 2024-12-03. Review status: criteria provided, single submitter. Criteria: Invitae Variant Classification Sherloc (09022015). Collection method: clinical testing. Allele origin: germline.
Comment: This sequence change replaces leucine, which is neutral and non-polar, with serine, which is neutral and polar, at codon 1606 of the CEP290 protein (p.Leu1606Ser). This variant is present in population databases (rs767636506, gnomAD 0.02%). This variant has not been reported in the literature in individuals affected with CEP290-related conditions. ClinVar contains an entry for this variant (Variation ID: 837918). Invitae Evidence Modeling of protein sequence and biophysical properties (such as structural, functional, and spatial information, amino acid conservation, physicochemical variation, residue mobility, and thermodynamic stability) has been performed for this missense variant. However, the output from this modeling did not meet the statistical confidence thresholds required to predict the impact of this variant on CEP290 protein function. In summary, the available evidence is currently insufficient to determine the role of this variant in disease. Therefore, it has been classified as a Variant of Uncertain Significance.

Fulgent Genetics
Classification: Uncertain significance for Joubert syndrome 5; Senior-Loken syndrome 6; Meckel syndrome, type 4; Leber congenital amaurosis 10; Bardet-Biedl syndrome 14. Last evaluated: 2024-05-29. Review status: criteria provided, single submitter. Criteria: ACMG Guidelines, 2015. Collection method: clinical testing. Allele origin: germline.

Natera, Inc.
Classification: Uncertain significance for Leber congenital amaurosis. Last evaluated: 2020-12-08. Review status: no assertion criteria provided. Collection method: clinical testing. Allele origin: germline. Not counted in ClinVar's aggregate classification.

NM_025114.4(CEP290):c.4817T>C (p.Leu1606Ser)

Gene: CEP290 (centrosomal protein 290; minus strand). Cytogenetic location: 12q21.32.
Variant type: single nucleotide variant.
Coding change: c.4817T>C on transcript NM_025114.4 (MANE Select); coding-DNA position 4817, T replaced by C.
Protein change: p.Leu1606Ser; replaces leucine 1606 with serine.
Molecular consequence: missense variant.
Genome position (GRCh38, 1-based): chr12:88,083,226, A>G on the plus strand (T>C on the coding strand, the complement: CEP290 is on the minus strand). VCF-style: chr12-88083226-A-G. GRCh37 (hg19) VCF-style: chr12-88477003-A-G.
Other names: short protein forms L1606S.
Identifiers: ClinVar variation 837918 (VCV000837918.12), dbSNP rs767636506, ClinGen allele CA6711849.
Genomic context (GRCh38, chr12:88,083,226, plus strand): 5'-ATCTCAGCCAGACGAATAAAATGCTTGTTGGTAGGAACTGGAGTGGGAGACTGTTTCATT[A>G]AATCCTATAAAATATGAATATATTAGCAATAGGCATGTATAATTCAATGCCATACTTATT-3'
Protein context (NP_079390.3, residues 1596-1616): LNKFKQTAWD[Leu1606Ser]MKQSPTPVPT